The following is an entry in ClinVar:

ClinVar aggregate classification (germline): Uncertain significance (1 of 4 stars; one submission).

Conditions:
Long QT syndrome (LQTS). Identifiers: MedGen C0023976, MeSH D008133, MONDO:0002442. Disease mechanism: loss of function. Inheritance: Various modes of inheritance.

Allele frequency attached by ClinVar (database versions not stated): gnomAD exomes below 0.00001.
gnomAD v4.1: 1 of 1,613,636 alleles (0.000062%); highest among the groups gnomAD compares: Non-Finnish European, 0.000085%; no homozygotes.

Submission:

Labcorp Genetics (formerly Invitae), Labcorp
Classification: Uncertain significance for Long QT syndrome. Last evaluated: 2022-08-10. Review status: criteria provided, single submitter. Criteria: Invitae Variant Classification Sherloc (09022015). Collection method: clinical testing. Allele origin: germline.
Comment: This variant is not present in population databases (gnomAD no frequency). This sequence change replaces aspartic acid, which is acidic and polar, with asparagine, which is neutral and polar, at codon 2295 of the AKAP9 protein (p.Asp2295Asn). This variant has not been reported in the literature in individuals affected with AKAP9-related conditions. In summary, the available evidence is currently insufficient to determine the role of this variant in disease. Therefore, it has been classified as a Variant of Uncertain Significance. Algorithms developed to predict the effect of missense changes on protein structure and function (SIFT, PolyPhen-2, Align-GVGD) all suggest that this variant is likely to be tolerated. ClinVar contains an entry for this variant (Variation ID: 457116).

NM_005751.5(AKAP9):c.6883G>A (p.Asp2295Asn)

Gene: AKAP9 (A-kinase anchoring protein 9; plus strand). Cytogenetic location: 7q21.2.
Variant type: single nucleotide variant.
Coding change: c.6883G>A on transcript NM_005751.5 (MANE Select); coding-DNA position 6883, G replaced by A.
Protein change: p.Asp2295Asn; replaces aspartic acid 2295 with asparagine.
Molecular consequence: missense variant.
Genome position (GRCh38, 1-based): chr7:92,077,813, G>A. VCF-style: chr7-92077813-G-A. GRCh37 (hg19) VCF-style: chr7-91707127-G-A.
Other names: c.1528G>A, p.Asp510Asn (NM_001379277.1); c.6859G>A, p.Asp2287Asn (NM_147185.3); short protein forms D2295N, D2287N, D510N.
Identifiers: ClinVar variation 457116 (VCV000457116.8), dbSNP rs1554449451, ClinGen allele CA368133801.
Genomic context (GRCh38, chr7:92,077,813, plus strand): 5'-GACCAACATGTGCTATTTGGGAAATTTGCTCAAATAATACAGGAAAAAGAGGTAGAAATT[G>A]ACCAATTAAATGAACAAGTTACGAAACTCCAGCAGCAACTTAAAATTACAACAGATAACA-3'
Protein context (NP_005742.4, residues 2285-2305): QIIQEKEVEI[Asp2295Asn]QLNEQVTKLQ